The following is an entry in ClinVar:

ClinVar aggregate classification (germline): Benign/Likely benign. Review status: criteria provided, multiple submitters, no conflicts (2 of 4 stars). 3 submissions from 3 submitters: Benign (1); Likely benign (2). Last evaluated 2025-11-15.

Conditions:
Hereditary cancer-predisposing syndrome. Also called: Tumor predisposition; Neoplastic Syndromes, Hereditary; Hereditary Cancer Syndrome; Hereditary neoplastic syndrome. Identifiers: Orphanet 140162, MedGen C0027672, MeSH D009386, MONDO:0015356.
Pheochromocytoma/paraganglioma syndrome 5. Also called: Paragangliomas 5; SDHA-Related Hereditary Paraganglioma-Pheochromocytoma Syndrome. Identifiers: Orphanet 29072, MedGen C3279992, MONDO:0013602, OMIM 614165.
Mitochondrial complex II deficiency, nuclear type 1. Also called: SUCCINATE CoQ REDUCTASE DEFICIENCY. Identifiers: Orphanet 3208, MedGen C5700310, MONDO:0100294, OMIM 252011.

Allele frequency attached by ClinVar (database versions not stated): gnomAD exomes below 0.00001; ExAC 0.00001.
gnomAD v4.1: 2 of 1,613,976 alleles (0.00012%); highest among the groups gnomAD compares: Non-Finnish European, 0.00017%; no homozygotes.

Submissions (3):

Labcorp Genetics (formerly Invitae), Labcorp
Classification: Likely benign for Pheochromocytoma/paraganglioma syndrome 5; Mitochondrial complex II deficiency, nuclear type 1. Last evaluated: 2025-11-15. Review status: criteria provided, single submitter. Criteria: Invitae Variant Classification Sherloc (09022015). Collection method: clinical testing. Allele origin: germline.

Myriad Genetics, Inc.
Classification: Benign for Pheochromocytoma/paraganglioma syndrome 5. Last evaluated: 2025-03-07. Review status: criteria provided, single submitter. Criteria: Myriad Autosomal Dominant, Autosomal Recessive and X-Linked Classification Criteria (2023). Collection method: clinical testing. Allele origin: unknown.
Comment: This variant is considered benign. This variant is a silent/synonymous amino acid change and it is not expected to impact splicing.

Ambry Genetics
Classification: Likely benign for Hereditary cancer-predisposing syndrome. Last evaluated: 2023-04-20. Review status: criteria provided, single submitter. Criteria: Ambry Variant Classification Scheme 2023. Collection method: clinical testing. Allele origin: germline.

NM_004168.4(SDHA):c.1056A>C (p.Arg352=)

Gene: SDHA (succinate dehydrogenase complex flavoprotein subunit A; plus strand). Cytogenetic location: 5p15.33.
Variant type: single nucleotide variant.
Coding change: c.1056A>C on transcript NM_004168.4 (MANE Select); coding-DNA position 1056, A replaced by C.
Protein change: p.Arg352=; no amino-acid change (arginine 352 retained).
Molecular consequence: synonymous variant.
Genome position (GRCh38, 1-based): chr5:233,637, A>C. VCF-style: chr5-233637-A-C. GRCh37 (hg19) VCF-style: chr5-233752-A-C.
Other names: c.912A>C, p.Arg304= (NM_001294332.2); c.1056A>C, p.Arg352= (NM_001330758.2); c.1056A>C (NM_004168.2).
Identifiers: ClinVar variation 1143966 (VCV001143966.12), dbSNP rs779804839, ClinGen allele CA3173074.